The following is an entry in ClinVar:

NM_001114753.3(ENG):c.523+1G>A

Gene: ENG (endoglin; minus strand). Cytogenetic location: 9q34.11.
Variant type: single nucleotide variant.
Coding change: c.523+1G>A on transcript NM_001114753.3 (MANE Select); the canonical splice donor site of the intron after coding-DNA position 523, G replaced by A.
Molecular consequence: splice donor variant.
Genome position (GRCh38, 1-based): chr9:127,826,509, C>T on the plus strand (G>A on the coding strand, the complement: ENG is on the minus strand). VCF-style: chr9-127826509-C-T. GRCh37 (hg19) VCF-style: chr9-130588788-C-T.
Other names: c.523+1G>A (NM_000118.4, NM_001406715.1); c.-24+1G>A (NM_001278138.2).
Identifiers: ClinVar variation 1074610 (VCV001074610.12), dbSNP rs113930974, ClinGen allele CA374984090.

ClinVar aggregate classification (germline): Pathogenic/Likely pathogenic. Review status: criteria provided, multiple submitters, no conflicts (2 of 4 stars). 2 submissions from 2 submitters: Pathogenic (1); Likely pathogenic (1). Last evaluated 2020-05-03.

Conditions:
Cardiovascular phenotype. Identifiers: MedGen CN230736.
Hereditary hemorrhagic telangiectasia (HHT). Also called: Osler hemorrhagic telangiectasia syndrome; ORW DISEASE; Osler Weber Rendu syndrome; OSLER-RENDU-WEBER DISEASE. Identifiers: Orphanet 774, MedGen C0039445, MONDO:0019180. Disease mechanism: loss of function.

Submissions (2):

Labcorp Genetics (formerly Invitae), Labcorp
Classification: Pathogenic for Hereditary hemorrhagic telangiectasia. Last evaluated: 2020-05-03. Review status: criteria provided, single submitter. Criteria: Invitae Variant Classification Sherloc (09022015). Collection method: clinical testing. Allele origin: germline.
Comment: For these reasons, this variant has been classified as Pathogenic. Donor and acceptor splice site variants typically lead to a loss of protein function (PMID: 16199547), and loss-of-function variants in ENG are known to be pathogenic (PMID: 15879500). Algorithms developed to predict the effect of sequence changes on RNA splicing suggest that this variant may disrupt the consensus splice site, but this prediction has not been confirmed by published transcriptional studies. Disruption of this splice site has been observed in individual(s) with hereditary hemorrhagic telangiectasia (PMID: 23535011, Invitae). This variant is not present in population databases (ExAC no frequency). This sequence change affects a donor splice site in intron 4 of the ENG gene. It is expected to disrupt RNA splicing and likely results in an absent or disrupted protein product.

Ambry Genetics
Classification: Likely pathogenic for Cardiovascular phenotype. Last evaluated: 2019-12-19. Review status: criteria provided, single submitter. Criteria: Ambry Variant Classification Scheme 2023. Collection method: clinical testing. Allele origin: germline.
Comment: The c.523+1G>A intronic variant results from a G to A substitution one nucleotide after coding exon 4 of the ENG gene. This nucleotide position is highly conserved in available vertebrate species. Using the BDGP and ESEfinder splice site prediction tools, this alteration is predicted to abolish the native splice donor site; however, direct evidence is unavailable. Alterations that disrupt the canonical splice site are expected to cause aberrant splicing, resulting in an abnormal protein or a transcript that is subject to nonsense-mediated mRNA decay. As such, this alteration is classified as likely pathogenic.

Literature cited by the submitters: PubMed 16199547 (cited by Labcorp Genetics (formerly Invitae), Labcorp); PubMed 15879500 (cited by Labcorp Genetics (formerly Invitae), Labcorp); PubMed 23535011 (cited by Labcorp Genetics (formerly Invitae), Labcorp).